The following is an entry in ClinVar:

NM_000222.3(KIT):c.536A>C (p.Tyr179Ser)

Gene: KIT (KIT proto-oncogene, receptor tyrosine kinase; plus strand). Cytogenetic location: 4q12.
Variant type: single nucleotide variant.
Coding change: c.536A>C on transcript NM_000222.3 (MANE Select); coding-DNA position 536, A replaced by C.
Protein change: p.Tyr179Ser; replaces tyrosine 179 with serine.
Molecular consequence: missense variant.
Genome position (GRCh38, 1-based): chr4:54,698,482, A>C. VCF-style: chr4-54698482-A-C. GRCh37 (hg19) VCF-style: chr4-55564648-A-C.
Other names: c.536A>C, p.Tyr179Ser (NM_001093772.2, NM_001385284.1, NM_001385285.1 and 4 more transcripts); short protein forms Y179S.
Identifiers: ClinVar variation 4645319 (VCV004645319.1).

ClinVar aggregate classification (germline): Uncertain significance (1 of 4 stars; one submission).

Conditions:
Hereditary cancer-predisposing syndrome. Also called: Neoplastic Syndromes, Hereditary; Tumor predisposition; Hereditary Cancer Syndrome; Hereditary neoplastic syndrome. Identifiers: Orphanet 140162, MedGen C0027672, MeSH D009386, MONDO:0015356.

Submission:

Ambry Genetics
Classification: Uncertain significance for Hereditary cancer-predisposing syndrome. Last evaluated: 2025-11-15. Review status: criteria provided, single submitter. Criteria: Ambry Variant Classification Scheme 2023. Collection method: clinical testing. Allele origin: germline.
Comment: The p.Y179S variant (also known as c.536A>C), located in coding exon 3 of the KIT gene, results from an A to C substitution at nucleotide position 536. The tyrosine at codon 179 is replaced by serine, an amino acid with dissimilar properties. This amino acid position is conserved. In addition, the in silico prediction for this alteration is inconclusive. Based on the available evidence, the clinical significance of this variant remains unclear.